The following is an entry in ClinVar:

NM_005159.5(ACTC1):c.323C>A (p.Thr108Lys)

Genes: ACTC1 (actin alpha cardiac muscle 1; minus strand), GJD2-DT (GJD2 divergent transcript; plus strand). Cytogenetic location: 15q14.
Variant type: single nucleotide variant.
Coding change: c.323C>A on transcript NM_005159.5 (MANE Select); coding-DNA position 323, C replaced by A.
Protein change: p.Thr108Lys; replaces threonine 108 with lysine.
Molecular consequence: missense variant. On other transcripts: 5 prime UTR variant (1).
Genome position (GRCh38, 1-based): chr15:34,793,376, G>T on the plus strand (C>A on the coding strand, the complement: ACTC1 is on the minus strand). VCF-style: chr15-34793376-G-T. GRCh37 (hg19) VCF-style: chr15-35085577-G-T.
Other names: c.323C>A, p.Thr108Lys (NM_001406482.1, NM_001406483.1); c.188C>A, p.Thr63Lys (NM_001406484.1); c.-66C>A (NM_001406485.1); short protein forms T108K, T63K.
Identifiers: ClinVar variation 3387037 (VCV003387037.1).

ClinVar aggregate classification (germline): Uncertain significance (1 of 4 stars; one submission).

Conditions:
Hypertrophic cardiomyopathy. Also called: HYPERTROPHIC MYOCARDIOPATHY. Identifiers: Orphanet 217569, MedGen C0007194, MeSH D002312, MONDO:0005045, HP:0001639.

Submission:

All of Us Research Program, National Institutes of Health
Classification: Uncertain significance for Hypertrophic cardiomyopathy. Last evaluated: 2024-09-23. Review status: criteria provided, single submitter. Criteria: ACMG Guidelines, 2015. Collection method: clinical testing. Allele origin: germline. Inheritance: Autosomal dominant inheritance. Observed: 1 variant allele, 1 heterozygote.
Comment: This study involves interpretation of variants in research participants for the purpose of population health screening. Participant phenotype was not available at the time of variant classification. Additional details can be found in publication PMID: 35346344, PMCID: PMC8962531